The following is an entry in ClinVar:

ClinVar aggregate classification (germline): Uncertain significance (1 of 4 stars; one submission).

Allele frequency attached by ClinVar (database versions not stated): gnomAD exomes 0.00001.

Submission:

Labcorp Genetics (formerly Invitae), Labcorp
Classification: Uncertain significance. Last evaluated: 2024-01-22. Review status: criteria provided, single submitter. Criteria: Invitae Variant Classification Sherloc (09022015). Collection method: clinical testing. Allele origin: germline.
Comment: This sequence change replaces proline, which is neutral and non-polar, with serine, which is neutral and polar, at codon 207 of the EPS8L2 protein (p.Pro207Ser). This variant is not present in population databases (gnomAD no frequency). This variant has not been reported in the literature in individuals affected with EPS8L2-related conditions. ClinVar contains an entry for this variant (Variation ID: 1919312). An algorithm developed to predict the effect of missense changes on protein structure and function (PolyPhen-2) suggests that this variant is likely to be disruptive. In summary, the available evidence is currently insufficient to determine the role of this variant in disease. Therefore, it has been classified as a Variant of Uncertain Significance.

NM_022772.4(EPS8L2):c.619C>T (p.Pro207Ser)

Genes: EPS8L2 (EPS8 signaling adaptor L2; plus strand), LOC130005078 (ATAC-STARR-seq lymphoblastoid silent region 3018; plus strand). Cytogenetic location: 11p15.5.
Variant type: single nucleotide variant.
Coding change: c.619C>T on transcript NM_022772.4 (MANE Select); coding-DNA position 619, C replaced by T.
Protein change: p.Pro207Ser; replaces proline 207 with serine.
Molecular consequence: missense variant.
Genome position (GRCh38, 1-based): chr11:721,125, C>T. VCF-style: chr11-721125-C-T. GRCh37 (hg19) VCF-style: chr11-721125-C-T.
Other names: short protein forms P207S.
Identifiers: ClinVar variation 1919312 (VCV001919312.5), dbSNP rs1862161716, ClinGen allele CA378966922.